The following is an entry in ClinVar:

NM_001401501.2(MUC16):c.44265A>G (p.Val14755=)

Gene: MUC16 (mucin 16, cell surface associated; minus strand). Cytogenetic location: 19p13.2.
Variant type: single nucleotide variant.
Coding change: c.44265A>G on transcript NM_001401501.2 (MANE Select); coding-DNA position 44265, A replaced by G.
Protein change: p.Val14755=; no amino-acid change (valine 14755 retained).
Molecular consequence: synonymous variant.
Genome position (GRCh38, 1-based): chr19:8,882,344, T>C on the plus strand (A>G on the coding strand, the complement: MUC16 is on the minus strand). VCF-style: chr19-8882344-T-C. GRCh37 (hg19) VCF-style: chr19-8993020-T-C.
Other names: c.44691A>G, p.Val14897= (NM_001414686.1); c.44145A>G, p.Val14715= (NM_001414687.1); c.41739A>G, p.Val13913= (NM_024690.2).
Identifiers: ClinVar variation 3055949 (VCV003055949.2), dbSNP rs796526726, ClinGen allele CA305055230.

ClinVar aggregate classification (germline): Likely benign (0 of 4 stars; one submission).

Conditions:
MUC16-related disorder. Also called: MUC16-related condition.

Submission:

PreventionGenetics, part of Exact Sciences
Classification: Likely benign for MUC16-related condition. Last evaluated: 2019-10-21. Review status: no assertion criteria provided. Collection method: clinical testing. Allele origin: germline.
Comment: This variant is classified as likely benign based on ACMG/AMP sequence variant interpretation guidelines (Richards et al. 2015 PMID: 25741868, with internal and published modifications).